The following is an entry in ClinVar:

NM_001365951.3(KIF1B):c.2306A>G (p.Asn769Ser)

Gene: KIF1B (kinesin family member 1B; plus strand). Cytogenetic location: 1p36.22.
Variant type: single nucleotide variant.
Coding change: c.2306A>G on transcript NM_001365951.3 (MANE Select); coding-DNA position 2306, A replaced by G.
Protein change: p.Asn769Ser; replaces asparagine 769 with serine.
Molecular consequence: missense variant.
Genome position (GRCh38, 1-based): chr1:10,321,805, A>G. VCF-style: chr1-10321805-A-G. GRCh37 (hg19) VCF-style: chr1-10381863-A-G.
Other names: c.2306A>G, p.Asn769Ser (NM_001365952.1); c.2168A>G, p.Asn723Ser (NM_015074.3); short protein forms N723S, N769S.
Identifiers: ClinVar variation 1787008 (VCV001787008.5), dbSNP rs2521607400, ClinGen allele CA338333013.
Genomic context (GRCh38, chr1:10,321,805, plus strand): 5'-GGGCCTTCCGGAAATGGAAGTCTCATCAGTTTACTTCATTACGGGACTTACTCTGGGGCA[A>G]TGCCGTGTACCTAAAGGAGGCCAATGCCATCAGTGTGGAACTGAAAAAGAAGGTATGGAG-3'
Protein context (NP_001352880.1, residues 759-779): FTSLRDLLWG[Asn769Ser]AVYLKEANAI

ClinVar aggregate classification (germline): Uncertain significance. Review status: criteria provided, multiple submitters, no conflicts (2 of 4 stars). 2 submissions from 2 submitters: Uncertain significance (2). Last evaluated 2024-06-28.

Conditions:
Charcot-Marie-Tooth disease type 2. Also called: Charcot-Marie-Tooth type 2. Identifiers: Orphanet 64746, MedGen C0270914, MONDO:0018993.

Allele frequency attached by ClinVar (database versions not stated): gnomAD exomes below 0.00001.
gnomAD v4.1: 2 of 1,614,202 alleles (0.00012%); highest among the groups gnomAD compares: Non-Finnish European, 0.000085%; no homozygotes.

Submissions (2):

Ambry Genetics
Classification: Uncertain significance. Last evaluated: 2024-06-28. Review status: criteria provided, single submitter. Criteria: Ambry Variant Classification Scheme 2023. Collection method: clinical testing. Allele origin: germline.
Comment: The p.N723S variant (also known as c.2168A>G), located in coding exon 21 of the KIF1B gene, results from an A to G substitution at nucleotide position 2168. The asparagine at codon 723 is replaced by serine, an amino acid with highly similar properties. This amino acid position is highly conserved in available vertebrate species. In addition, this alteration is predicted to be tolerated by in silico analysis. Since supporting evidence is limited at this time, the clinical significance of this alteration remains unclear.

Labcorp Genetics (formerly Invitae), Labcorp
Classification: Uncertain significance for Charcot-Marie-Tooth disease type 2. Last evaluated: 2024-05-27. Review status: criteria provided, single submitter. Criteria: Invitae Variant Classification Sherloc (09022015). Collection method: clinical testing. Allele origin: germline.
Comment: This sequence change replaces asparagine, which is neutral and polar, with serine, which is neutral and polar, at codon 723 of the KIF1B protein (p.Asn723Ser). This variant is not present in population databases (gnomAD no frequency). This variant has not been reported in the literature in individuals affected with KIF1B-related conditions. ClinVar contains an entry for this variant (Variation ID: 1787008). Advanced modeling of protein sequence and biophysical properties (such as structural, functional, and spatial information, amino acid conservation, physicochemical variation, residue mobility, and thermodynamic stability) performed at Invitae indicates that this missense variant is not expected to disrupt KIF1B protein function with a negative predictive value of 80%. In summary, the available evidence is currently insufficient to determine the role of this variant in disease. Therefore, it has been classified as a Variant of Uncertain Significance.